The following is an entry in ClinVar:

ClinVar aggregate classification (germline): Uncertain significance (1 of 4 stars; one submission).

Conditions:
Hereditary cancer-predisposing syndrome. Also called: Neoplastic Syndromes, Hereditary; Tumor predisposition; Hereditary neoplastic syndrome; Hereditary Cancer Syndrome. Identifiers: Orphanet 140162, MedGen C0027672, MeSH D009386, MONDO:0015356.
Cardiovascular phenotype. Identifiers: MedGen CN230736.

Allele frequency attached by ClinVar (database versions not stated): gnomAD exomes below 0.00001.
gnomAD v4.1: 4 of 1,613,378 alleles (0.00025%); highest among the groups gnomAD compares: Non-Finnish European, 0.00034%; no homozygotes.

Submission:

Ambry Genetics
Classification: Uncertain significance for Cardiovascular phenotype; Hereditary cancer-predisposing syndrome. Last evaluated: 2023-10-17. Review status: criteria provided, single submitter. Criteria: Ambry Variant Classification Scheme 2023. Collection method: clinical testing. Allele origin: germline.
Comment: The p.N355K variant (also known as c.1065C>G), located in coding exon 10 of the NF1 gene, results from a C to G substitution at nucleotide position 1065. The asparagine at codon 355 is replaced by lysine, an amino acid with similar properties. This amino acid position is well conserved in available vertebrate species. In addition, this alteration is predicted to be tolerated by in silico analysis. Since supporting evidence is limited at this time, the clinical significance of this alteration remains unclear.

NM_001042492.3(NF1):c.1065C>G (p.Asn355Lys)

Gene: NF1 (neurofibromin 1; plus strand). Cytogenetic location: 17q11.2.
Variant type: single nucleotide variant.
Coding change: c.1065C>G on transcript NM_001042492.3 (MANE Select); coding-DNA position 1065, C replaced by G.
Protein change: p.Asn355Lys; replaces asparagine 355 with lysine.
Molecular consequence: missense variant.
Genome position (GRCh38, 1-based): chr17:31,201,039, C>G. VCF-style: chr17-31201039-C-G. GRCh37 (hg19) VCF-style: chr17-29528057-C-G.
Other names: c.1065C>G, p.Asn355Lys (NM_000267.4, NM_001128147.3); short protein forms N355K.
Identifiers: ClinVar variation 3237943 (VCV003237943.1), dbSNP rs781012541.